The following is an entry in ClinVar:

ClinVar aggregate classification (germline): Benign/Likely benign. Review status: criteria provided, multiple submitters, no conflicts (2 of 4 stars). 2 submissions from 2 submitters: Benign (1); Likely benign (1). Last evaluated 2026-08-01.

Allele frequency attached by ClinVar (database versions not stated): ESP Exome Variant Server 0.00285; gnomAD 0.00334 and 0.00339; 1000 Genomes Project 0.00339; 1000 Genomes Project 30x 0.00344; TOPMed 0.00367; ExAC 0.00553.
gnomAD v4.1: 5,960 of 1,551,674 alleles (0.38%); highest among the groups gnomAD compares: Middle Eastern, 1.3%; 22 homozygotes.

Submissions (2):

CeGaT Center for Human Genetics Tuebingen
Classification: Likely benign. Last evaluated: 2026-08-01. Review status: criteria provided, single submitter. Criteria: CeGaT Center For Human Genetics Tuebingen Variant Classification Criteria Version 2. Collection method: clinical testing. Allele origin: germline. Affected: yes. Observed: 3 variant alleles.
Comment: INSYN2B: BP4, BS2

Labcorp Genetics (formerly Invitae), Labcorp
Classification: Benign. Last evaluated: 2018-07-10. Review status: criteria provided, single submitter. Criteria: Invitae Variant Classification Sherloc (09022015). Collection method: clinical testing. Allele origin: germline.

NM_001129891.3(INSYN2B):c.496G>C (p.Val166Leu)

Genes: DOCK2 (dedicator of cytokinesis 2; plus strand), INSYN2B (inhibitory synaptic factor family member 2B; minus strand). Cytogenetic location: 5q35.1.
Variant type: single nucleotide variant.
Coding change: c.496G>C on transcript NM_001129891.3 (MANE Select); coding-DNA position 496, G replaced by C.
Protein change: p.Val166Leu; replaces valine 166 with leucine.
Molecular consequence: missense variant. On other transcripts: intron variant (1).
Genome position (GRCh38, 1-based): chr5:169,883,403, C>G on the plus strand (G>C on the coding strand, the complement: INSYN2B is on the minus strand). VCF-style: chr5-169883403-C-G. GRCh37 (hg19) VCF-style: chr5-169310407-C-G.
Other names: c.496G>C, p.Val166Leu (NM_001346304.2); c.2799+42551C>G (NM_004946.3); short protein forms V166L.
Identifiers: ClinVar variation 771712 (VCV000771712.27), dbSNP rs149156890, ClinGen allele CA3553949.